The following is an entry in ClinVar:

NM_138694.4(PKHD1):c.12005G>A (p.Gly4002Asp)

Gene: PKHD1 (PKHD1 ciliary IPT domain containing fibrocystin/polyductin; minus strand). Cytogenetic location: 6p12.3.
Variant type: single nucleotide variant.
Coding change: c.12005G>A on transcript NM_138694.4 (MANE Select); coding-DNA position 12005, G replaced by A.
Protein change: p.Gly4002Asp; replaces glycine 4002 with aspartic acid.
Molecular consequence: missense variant.
Genome position (GRCh38, 1-based): chr6:51,619,301, C>T on the plus strand (G>A on the coding strand, the complement: PKHD1 is on the minus strand). VCF-style: chr6-51619301-C-T. GRCh37 (hg19) VCF-style: chr6-51484099-C-T.
Other names: short protein forms G4002D.
Identifiers: ClinVar variation 1309746 (VCV001309746.2), dbSNP rs754867540, ClinGen allele CA3850642.

ClinVar aggregate classification (germline): Uncertain significance (1 of 4 stars; one submission).

Allele frequency attached by ClinVar (database versions not stated): gnomAD exomes below 0.00001; ExAC 0.00001.

Submission:

GeneDx
Classification: Uncertain significance. Last evaluated: 2019-10-30. Review status: criteria provided, single submitter. Criteria: GeneDx Variant Classification Process June 2021. Collection method: clinical testing. Allele origin: germline. Affected: yes.
Comment: Not observed at a significant frequency in large population cohorts (Lek et al., 2016); In silico analysis, which includes protein predictors and evolutionary conservation, supports that this variant does not alter protein structure/function; Has not been previously published as pathogenic or benign to our knowledge